The following is an entry in ClinVar:

ClinVar aggregate classification (germline): Conflicting classifications of pathogenicity. Review status: criteria provided, conflicting classifications (1 of 4 stars). 2 submissions from 2 submitters: Uncertain significance (1); Benign (1). Last evaluated 2024-02-12.

Conditions:
Methylmalonic acidemia with homocystinuria, type cblX (MAHCX). Also called: INTELLECTUAL DEVELOPMENTAL DISORDER, X-LINKED 3. Identifiers: Orphanet 369962, MedGen C0796208, MONDO:0010657, OMIM 309541.

Allele frequency attached by ClinVar (database versions not stated): gnomAD exomes 0.00001; gnomAD 0.00003; TOPMed 0.00004; ExAC 0.00006; ESP Exome Variant Server 0.00010.
gnomAD v4.1: 17 of 1,209,942 alleles (0.0014%); highest among the groups gnomAD compares: East Asian, 0.024%; no homozygotes.

Submissions (2):

Labcorp Genetics (formerly Invitae), Labcorp
Classification: Benign for Methylmalonic acidemia with homocystinuria, type cblX. Last evaluated: 2024-02-12. Review status: criteria provided, single submitter. Criteria: Invitae Variant Classification Sherloc (09022015). Collection method: clinical testing. Allele origin: germline.

Women's Health and Genetics/Laboratory Corporation of America, LabCorp
Classification: Uncertain significance. Last evaluated: 2023-06-13. Review status: criteria provided, single submitter. Criteria: LabCorp Variant Classification Summary - May 2015. Collection method: clinical testing. Allele origin: germline.
Comment: Variant summary: HCFC1 c.3845C>T (p.Ser1282Leu) results in a non-conservative amino acid change in the encoded protein sequence. Three of five in-silico tools predict a damaging effect of the variant on protein function. The variant allele was found at a frequency of 3.9e-05 in 180301 control chromosomes in GnomAD. The available data on variant occurrences in the general population are insufficient to allow any conclusion about variant significance. These data do not allow any conclusion about variant significance. To our knowledge, no experimental evidence demonstrating an impact on protein function has been reported. The following publication have been ascertained in the context of this evaluation (PMID: 33880059). No clinical diagnostic laboratories have submitted clinical-significance assessments for this variant to ClinVar after 2014. Based on the evidence outlined above, the variant was classified as uncertain significance.

Literature cited by the submitters: PubMed 33880059 (cited by Women's Health and Genetics/Laboratory Corporation of America, LabCorp).

NM_005334.3(HCFC1):c.3845C>T (p.Ser1282Leu)

Gene: HCFC1 (host cell factor C1; minus strand). Cytogenetic location: Xq28.
Variant type: single nucleotide variant.
Coding change: c.3845C>T on transcript NM_005334.3 (MANE Select); coding-DNA position 3845, C replaced by T.
Protein change: p.Ser1282Leu; replaces serine 1282 with leucine.
Molecular consequence: missense variant.
Genome position (GRCh38, 1-based): chrX:153,954,554, G>A on the plus strand (C>T on the coding strand, the complement: HCFC1 is on the minus strand). VCF-style: chrX-153954554-G-A. GRCh37 (hg19) VCF-style: chrX-153220005-G-A.
Other names: c.3845C>T, p.Ser1282Leu (NM_001410705.1); short protein forms S1282L.
Identifiers: ClinVar variation 2573542 (VCV002573542.4), dbSNP rs374515131, ClinGen allele CA10557127.